The following is an entry in ClinVar:

NM_015378.4(VPS13D):c.11721C>A (p.Gly3907=)

Gene: VPS13D (vacuolar protein sorting 13 homolog D; plus strand). Cytogenetic location: 1p36.22.
Variant type: single nucleotide variant.
Coding change: c.11721C>A on transcript NM_015378.4 (MANE Select); coding-DNA position 11721, C replaced by A.
Protein change: p.Gly3907=; no amino-acid change (glycine 3907 retained).
Molecular consequence: synonymous variant.
Genome position (GRCh38, 1-based): chr1:12,400,267, C>A. VCF-style: chr1-12400267-C-A. GRCh37 (hg19) VCF-style: chr1-12460324-C-A.
Other names: p.Gly3907=; c.11646C>A, p.Gly3882= (NM_018156.4).
Identifiers: ClinVar variation 787739 (VCV000787739.13), dbSNP rs17038005, ClinGen allele CA604020.

ClinVar aggregate classification (germline): Benign. Review status: criteria provided, multiple submitters, no conflicts (2 of 4 stars). 4 submissions from 4 submitters: Benign (3). 1 of the submissions does not count toward it. Last evaluated 2026-01-27.

Conditions:
VPS13D-related disorder. Also called: VPS13D-related condition.

Allele frequency attached by ClinVar (database versions not stated): gnomAD exomes 0.00080 and 0.00210; ExAC 0.00212; gnomAD 0.00589 and 0.00628; TOPMed 0.00665; ESP Exome Variant Server 0.00684; 1000 Genomes Project 30x 0.00734; 1000 Genomes Project 0.00759.
gnomAD v4.1: 2,169 of 1,614,124 alleles (0.13%); highest among the groups gnomAD compares: African/African-American, 1.9%; 24 homozygotes.

Submissions (4):

Labcorp Genetics (formerly Invitae), Labcorp
Classification: Benign. Last evaluated: 2026-01-27. Review status: criteria provided, single submitter. Criteria: Invitae Variant Classification Sherloc (09022015). Collection method: clinical testing. Allele origin: germline.

Mayo Clinic Laboratories, Mayo Clinic
Classification: Benign. Last evaluated: 2024-04-01. Review status: criteria provided, single submitter. Criteria: ACMG Guidelines, 2015. Collection method: clinical testing. Allele origin: germline. Observed: 4 variant alleles.
Comment: BS1, BS2, BP4, BP7

Breakthrough Genomics
Classification: Benign. Review status: criteria provided, single submitter. Criteria: ACMG Guidelines, 2015. Collection method: not provided. Allele origin: germline. Inheritance: Autosomal recessive inheritance. Affected: yes.

PreventionGenetics, part of Exact Sciences
Classification: Benign for VPS13D-related condition. Last evaluated: 2019-02-19. Review status: no assertion criteria provided. Collection method: clinical testing. Allele origin: germline. Not counted in ClinVar's aggregate classification.
Comment: This variant is classified as benign based on ACMG/AMP sequence variant interpretation guidelines (Richards et al. 2015 PMID: 25741868, with internal and published modifications).